The following is an entry in ClinVar:

NM_001166114.2(PNPLA6):c.648G>A (p.Pro216=)

Gene: PNPLA6 (patatin like domain 6, lysophospholipase; plus strand). Cytogenetic location: 19p13.2.
Variant type: single nucleotide variant.
Coding change: c.648G>A on transcript NM_001166114.2 (MANE Select); coding-DNA position 648, G replaced by A.
Protein change: p.Pro216=; no amino-acid change (proline 216 retained).
Molecular consequence: synonymous variant.
Genome position (GRCh38, 1-based): chr19:7,540,242, G>A. VCF-style: chr19-7540242-G-A. GRCh37 (hg19) VCF-style: chr19-7605128-G-A.
Other names: c.675G>A, p.Pro225= (NM_001166111.2); c.531G>A, p.Pro177= (NM_001166112.2, NM_001166113.1, NM_006702.5).
Identifiers: ClinVar variation 330516 (VCV000330516.36), dbSNP rs566213812, ClinGen allele CA9139524.

ClinVar aggregate classification (germline): Conflicting classifications of pathogenicity. Review status: criteria provided, conflicting classifications (1 of 4 stars). 3 submissions from 3 submitters: Uncertain significance (1); Likely benign (2). Last evaluated 2025-11-27.

Conditions:
Hereditary spastic paraplegia 39 (SPG39). Also called: Spastic Paraplegia Type 39 (SPG39); SPASTIC PARAPLEGIA 39, AUTOSOMAL RECESSIVE. Identifiers: Orphanet 139480, MedGen C2677586, MONDO:0012787, OMIM 612020.

Allele frequency attached by ClinVar (database versions not stated): gnomAD exomes 0.00004 and 0.00009; TOPMed 0.00006; gnomAD 0.00009 and 0.00011; ExAC 0.00012; 1000 Genomes Project 0.00040; 1000 Genomes Project 30x 0.00047.

Submissions (3):

Labcorp Genetics (formerly Invitae), Labcorp
Classification: Likely benign for Hereditary spastic paraplegia 39. Last evaluated: 2025-11-27. Review status: criteria provided, single submitter. Criteria: Invitae Variant Classification Sherloc (09022015). Collection method: clinical testing. Allele origin: germline.

CeGaT Center for Human Genetics Tuebingen
Classification: Likely benign. Last evaluated: 2023-07-01. Review status: criteria provided, single submitter. Criteria: CeGaT Center For Human Genetics Tuebingen Variant Classification Criteria Version 2. Collection method: clinical testing. Allele origin: germline. Affected: yes. Observed: 1 variant allele.
Comment: PNPLA6: BP4, BP7

Illumina Laboratory Services, Illumina
Classification: Uncertain significance for Hereditary spastic paraplegia 39. Last evaluated: 2018-01-13. Review status: criteria provided, single submitter. Criteria: ICSL Variant Classification Criteria 13 December 2019. Collection method: clinical testing. Allele origin: germline.